The following is an entry in ClinVar:

NM_005271.5(GLUD1):c.526G>A (p.Asp176Asn)

Gene: GLUD1 (glutamate dehydrogenase 1; minus strand). Cytogenetic location: 10q23.2.
Variant type: single nucleotide variant.
Coding change: c.526G>A on transcript NM_005271.5 (MANE Select); coding-DNA position 526, G replaced by A.
Protein change: p.Asp176Asn; replaces aspartic acid 176 with asparagine.
Molecular consequence: missense variant.
Genome position (GRCh38, 1-based): chr10:87,076,576, C>T on the plus strand (G>A on the coding strand, the complement: GLUD1 is on the minus strand). VCF-style: chr10-87076576-C-T. GRCh37 (hg19) VCF-style: chr10-88836333-C-T.
Other names: c.127G>A, p.Asp43Asn (NM_001318900.1); c.25G>A, p.Asp9Asn (NM_001318901.1, NM_001318902.1, NM_001318904.2 and 2 more transcripts); short protein forms D176N, D43N, D9N.
Identifiers: ClinVar variation 1312412 (VCV001312412.2), dbSNP rs1846402021, ClinGen allele CA377474386.

ClinVar aggregate classification (germline): Uncertain significance (1 of 4 stars; one submission).

Allele frequency attached by ClinVar (database versions not stated): gnomAD 0.00001.

Submission:

GeneDx
Classification: Uncertain significance. Last evaluated: 2019-09-19. Review status: criteria provided, single submitter. Criteria: GeneDx Variant Classification Process June 2021. Collection method: clinical testing. Allele origin: germline. Affected: yes.
Comment: Not observed in large population cohorts (Lek et al., 2016); In silico analysis, which includes protein predictors and evolutionary conservation, supports a deleterious effect; Has not been previously published as pathogenic or benign to our knowledge; In addition, in silico splice predictors suggest this variant may lead to abnormal gene splicing